The following is an entry in ClinVar:

ClinVar aggregate classification (germline): Uncertain significance (1 of 4 stars; one submission).

gnomAD v4.1: 1 of 1,610,524 alleles (0.000062%); highest among the groups gnomAD compares: Non-Finnish European, 0.000085%; no homozygotes.

Submission:

Labcorp Genetics (formerly Invitae), Labcorp
Classification: Uncertain significance. Last evaluated: 2026-01-19. Review status: criteria provided, single submitter. Criteria: Invitae Variant Classification Sherloc (09022015). Collection method: clinical testing. Allele origin: germline.
Comment: This sequence change falls in intron 20 of the DHX37 gene. It does not directly change the encoded amino acid sequence of the DHX37 protein. It affects a nucleotide within the consensus splice site. This variant is not present in population databases (gnomAD no frequency). This variant has not been reported in the literature in individuals affected with DHX37-related conditions. ClinVar contains an entry for this variant (Variation ID: 1995854). Variants that disrupt the consensus splice site are a relatively common cause of aberrant splicing (PMID: 17576681, 9536098). Algorithms developed to predict the effect of sequence changes on RNA splicing suggest that this variant is not likely to affect RNA splicing. In summary, the available evidence is currently insufficient to determine the role of this variant in disease. Therefore, it has been classified as a Variant of Uncertain Significance.

Literature cited by the submitters: PubMed 17576681; PubMed 9536098.

NM_032656.4(DHX37):c.2695+4C>A

Gene: DHX37 (DEAH-box helicase 37; minus strand). Cytogenetic location: 12q24.31.
Variant type: single nucleotide variant.
Coding change: c.2695+4C>A on transcript NM_032656.4 (MANE Select); 4 bases into the intron after coding-DNA position 2695, C replaced by A.
Molecular consequence: intron variant.
Genome position (GRCh38, 1-based): chr12:124,953,876, G>T on the plus strand (C>A on the coding strand, the complement: DHX37 is on the minus strand). VCF-style: chr12-124953876-G-T. GRCh37 (hg19) VCF-style: chr12-125438422-G-T.
Identifiers: ClinVar variation 1995854 (VCV001995854.4), dbSNP rs376003968, ClinGen allele CA2580085961.